The following is an entry in ClinVar:

NM_000719.7(CACNA1C):c.574C>T (p.Arg192Cys)

Gene: CACNA1C (calcium voltage-gated channel subunit alpha1 C; plus strand). Cytogenetic location: 12p13.33.
Variant type: single nucleotide variant.
Coding change: c.574C>T on transcript NM_000719.7 (MANE Select); coding-DNA position 574, C replaced by T.
Protein change: p.Arg192Cys; replaces arginine 192 with cysteine.
Molecular consequence: missense variant.
Genome position (GRCh38, 1-based): chr12:2,449,072, C>T. VCF-style: chr12-2449072-C-T. GRCh37 (hg19) VCF-style: chr12-2558238-C-T.
Other names: c.574C>T, p.Arg192Cys (NM_001129827.2, NM_001129829.2, NM_001129830.3 and 19 more transcripts); short protein forms R192C.
Identifiers: ClinVar variation 1442473 (VCV001442473.6), dbSNP rs756042537, ClinGen allele CA6388478.

ClinVar aggregate classification (germline): Uncertain significance (1 of 4 stars; one submission).

Conditions:
Long QT syndrome (LQTS). Identifiers: MedGen C0023976, MeSH D008133, MONDO:0002442. Disease mechanism: loss of function. Inheritance: Various modes of inheritance.

Allele frequency attached by ClinVar (database versions not stated): gnomAD 0.00001; gnomAD exomes 0.00001; ExAC 0.00002; TOPMed 0.00002.
gnomAD v4.1: 4 of 1,584,430 alleles (0.00025%); highest among the groups gnomAD compares: South Asian, 0.0011%; no homozygotes.

Submission:

Labcorp Genetics (formerly Invitae), Labcorp
Classification: Uncertain significance for Long QT syndrome. Last evaluated: 2024-02-19. Review status: criteria provided, single submitter. Criteria: Invitae Variant Classification Sherloc (09022015). Collection method: clinical testing. Allele origin: germline.
Comment: This sequence change replaces arginine, which is basic and polar, with cysteine, which is neutral and slightly polar, at codon 192 of the CACNA1C protein (p.Arg192Cys). The frequency data for this variant in the population databases is considered unreliable, as metrics indicate poor data quality at this position in the gnomAD database. This variant has not been reported in the literature in individuals affected with CACNA1C-related conditions. ClinVar contains an entry for this variant (Variation ID: 1442473). Advanced modeling of protein sequence and biophysical properties (such as structural, functional, and spatial information, amino acid conservation, physicochemical variation, residue mobility, and thermodynamic stability) performed at Invitae indicates that this missense variant is expected to disrupt CACNA1C protein function with a positive predictive value of 95%. In summary, the available evidence is currently insufficient to determine the role of this variant in disease. Therefore, it has been classified as a Variant of Uncertain Significance.